The following is an entry in ClinVar:

ClinVar aggregate classification (germline): Pathogenic (1 of 4 stars; one submission).

Conditions:
Neurofibromatosis, type 1 (NF1). Also called: VON RECKLINGHAUSEN DISEASE; NEUROFIBROMATOSIS, TYPE I, SOMATIC; Peripheral type neurofibromatosis; Neurofibromatosis, type I. Identifiers: Orphanet 636, MedGen C0027831, MONDO:0018975, OMIM 162200. Disease mechanism: loss of function.

Submission:

Labcorp Genetics (formerly Invitae), Labcorp
Classification: Pathogenic for Neurofibromatosis, type 1. Last evaluated: 2023-07-31. Review status: criteria provided, single submitter. Criteria: Invitae Variant Classification Sherloc (09022015). Collection method: clinical testing. Allele origin: germline.
Comment: For these reasons, this variant has been classified as Pathogenic. This sequence change creates a premature translational stop signal (p.Ile322Leufs*54) in the NF1 gene. It is expected to result in an absent or disrupted protein product. Loss-of-function variants in NF1 are known to be pathogenic (PMID: 10712197, 23913538). This variant is not present in population databases (gnomAD no frequency). This premature translational stop signal has been observed in individual(s) with neurofibromatosis type 1 (PMID: 31717729). ClinVar contains an entry for this variant (Variation ID: 663019).

Literature cited by the submitters: PubMed 10712197; PubMed 23913538; PubMed 31717729.

NM_001042492.3(NF1):c.964del (p.Ile322fs)

Gene: NF1 (neurofibromin 1; plus strand). Cytogenetic location: 17q11.2.
Variant type: Deletion.
Coding change: c.964del on transcript NM_001042492.3 (MANE Select); coding-DNA position 964, one base deleted (A; older notation c.964delA).
Protein change: p.Ile322fs; shifts the reading frame from isoleucine 322.
Molecular consequence: frameshift variant.
Genome position (GRCh38, 1-based): chr17:31,200,497, A deleted; the last of 2 consecutive A bases (chr17:31,200,496-31,200,497); deleting either gives the same sequence. VCF-style (leftmost placement, unchanged base first): chr17-31200495-CA-C. GRCh37 (hg19) VCF-style: chr17-29527513-CA-C.
Other names: c.964delA (NM_000267.3); c.964delA, p.Ile322Leufs (NM_000267.4); c.964del, p.Ile322fs (NM_001128147.3); short protein forms I322fs.
Identifiers: ClinVar variation 663019 (VCV000663019.5), dbSNP rs1597680909, ClinGen allele CA915949666.